The following is an entry in ClinVar:

ClinVar aggregate classification (germline): Likely benign. Review status: criteria provided, single submitter (1 of 4 stars). 2 submissions from 2 submitters: Likely benign (1). 1 of the submissions does not count toward it. Last evaluated 2025-11-03.

Conditions:
MYO18B-related disorder. Also called: MYO18B-related condition.

Allele frequency attached by ClinVar (database versions not stated): ExAC 0.00002; gnomAD exomes 0.00002; TOPMed 0.00007; gnomAD 0.00008 and 0.00009; ESP Exome Variant Server 0.00031.
gnomAD v4.1: 97 of 1,613,374 alleles (0.006%); highest among the groups gnomAD compares: African/African-American, 0.008%; 1 homozygote.

Submissions (2):

Labcorp Genetics (formerly Invitae), Labcorp
Classification: Likely benign. Last evaluated: 2025-11-03. Review status: criteria provided, single submitter. Criteria: Invitae Variant Classification Sherloc (09022015). Collection method: clinical testing. Allele origin: germline.

PreventionGenetics, part of Exact Sciences
Classification: Likely benign for MYO18B-related condition. Last evaluated: 2020-01-07. Review status: no assertion criteria provided. Collection method: clinical testing. Allele origin: germline. Not counted in ClinVar's aggregate classification.
Comment: This variant is classified as likely benign based on ACMG/AMP sequence variant interpretation guidelines (Richards et al. 2015 PMID: 25741868, with internal and published modifications).

NM_032608.7(MYO18B):c.21C>T (p.Leu7=)

Gene: MYO18B (myosin XVIIIB; plus strand). Cytogenetic location: 22q12.1.
Variant type: single nucleotide variant.
Coding change: c.21C>T on transcript NM_032608.7 (MANE Select); coding-DNA position 21, C replaced by T.
Protein change: p.Leu7=; no amino-acid change (leucine 7 retained).
Molecular consequence: synonymous variant.
Genome position (GRCh38, 1-based): chr22:25,761,113, C>T. VCF-style: chr22-25761113-C-T. GRCh37 (hg19) VCF-style: chr22-26157080-C-T.
Other names: c.21C>T, p.Leu7= (NM_001318245.2); c.21C>T (NM_032608.6).
Identifiers: ClinVar variation 1673380 (VCV001673380.10), dbSNP rs371397750, ClinGen allele CA10159433.
Genomic context (GRCh38, chr22:25,761,113, plus strand): 5'-ATCTCATCTCATCATCTCACGGCCCTGGCACTGCCTCAGCATGGCCATCTCATCACGCCT[C>T]GCCCTGTGGGAGCAGAAGGAAAGTGACACTCATGGCTGGGGCTGCAGCCATCTGCAGGGA-3'
Protein context (NP_115997.5, residues 1-17): MAISSR[Leu7=]ALWEQKIREE